The following is an entry in ClinVar:

ClinVar aggregate classification (germline): Uncertain significance (1 of 4 stars; one submission).

Submission:

GeneDx
Classification: Uncertain significance. Last evaluated: 2022-07-14. Review status: criteria provided, single submitter. Criteria: GeneDx Variant Classification Process June 2021. Collection method: clinical testing. Allele origin: germline. Affected: yes.
Comment: Not observed at significant frequency in large population cohorts (gnomAD); Intronic +5 splice site variant in a gene for which loss of function is a known mechanism of disease, and both splice predictors and evolutionary conservation support a deleterious effect, although in the absence of functional evidence the actual effect of this sequence change is unknown.; Has not been previously published as pathogenic or benign to our knowledge

NM_030632.3(ASXL3):c.715+5G>A

Gene: ASXL3 (ASXL transcriptional regulator 3; plus strand). Cytogenetic location: 18q12.1.
Variant type: single nucleotide variant.
Coding change: c.715+5G>A on transcript NM_030632.3 (MANE Select); 5 bases into the intron after coding-DNA position 715, G replaced by A.
Molecular consequence: intron variant.
Genome position (GRCh38, 1-based): chr18:33,671,871, G>A. VCF-style: chr18-33671871-G-A. GRCh37 (hg19) VCF-style: chr18-31251835-G-A.
Identifiers: ClinVar variation 2136239 (VCV002136239.1), dbSNP rs2145256753, ClinGen allele CA2580095650.